The following is an entry in ClinVar:

NM_004260.4(RECQL4):c.2059-1G>A

Gene: RECQL4 (RecQ like helicase 4; minus strand). Cytogenetic location: 8q24.3.
Variant type: single nucleotide variant.
Coding change: c.2059-1G>A on transcript NM_004260.4 (MANE Select); the canonical splice acceptor site of the intron before coding-DNA position 2059, G replaced by A.
Molecular consequence: splice acceptor variant.
Genome position (GRCh38, 1-based): chr8:144,513,713, C>T on the plus strand (G>A on the coding strand, the complement: RECQL4 is on the minus strand). VCF-style: chr8-144513713-C-T. GRCh37 (hg19) VCF-style: chr8-145739097-C-T.
Other names: c.1930-1G>A (NM_001413025.1); c.1708-1G>A (NM_001413029.1); c.922-1G>A (NM_001413032.1, NM_001413027.1, NM_001413030.1 and 1 more transcripts); c.988-1G>A (NM_001413035.1, NM_001413040.1, NM_001413021.1 and 6 more transcripts); c.1963-1G>A (NM_001413017.1, NM_001413020.1); c.2029-1G>A (NM_001413039.1); c.1927-1G>A (NM_001413033.1); c.2059-1G>A (NM_001413018.1, NM_001413036.1, NM_001413019.1); and 4 more.
Identifiers: ClinVar variation 56404 (VCV000056404.11), dbSNP rs386833849, ClinGen allele CA144332.

ClinVar aggregate classification (germline): Pathogenic. Review status: criteria provided, multiple submitters, no conflicts (2 of 4 stars). 4 submissions from 4 submitters: Pathogenic (2). 2 of the submissions do not count toward it. Last evaluated 2026-04-21.

Conditions:
Rapadilino syndrome. Identifiers: Orphanet 3021, MedGen C1849453, MONDO:0009955, OMIM 266280.
Baller-Gerold syndrome (BGS). Also called: CRANIOSYNOSTOSIS WITH RADIAL DEFECTS. Identifiers: Orphanet 1225, MedGen C0265308, MONDO:0009039, OMIM 218600.

Allele frequency attached by ClinVar (database versions not stated): TOPMed 0.00001; gnomAD 0.00001; gnomAD exomes below 0.00001.
gnomAD v4.1: 5 of 1,529,152 alleles (0.00033%); highest among the groups gnomAD compares: Non-Finnish European, 0.00044%; no homozygotes.

Submissions (4):

Dasa
Classification: Pathogenic. Last evaluated: 2026-04-21. Review status: criteria provided, single submitter. Criteria: DASA Assertion Criteria. Collection method: clinical testing. Allele origin: germline.
Comment: NM_004260.4(RECQL4):c.2059-1G>A affects a canonical splice site and is predicted to disrupt normal RNA splicing, leading to loss of normal protein function. Loss-of-function is an established mechanism of disease for this gene. This variant has been recurrently observed in individuals with related phenotype (PMID: 18716613; PMID: 24635570). The variant is present at low frequency in population datasets. Based on the available data, this variant is classified as pathogenic.

Labcorp Genetics (formerly Invitae), Labcorp
Classification: Pathogenic for Baller-Gerold syndrome. Last evaluated: 2023-07-17. Review status: criteria provided, single submitter. Criteria: Invitae Variant Classification Sherloc (09022015). Collection method: clinical testing. Allele origin: germline.
Comment: Disruption of this splice site has been observed in individuals with Rothmund-Thomson syndrome (PMID: 10319867, 12838562, 18716613, 24635570, 25966250). This variant is not present in population databases (gnomAD no frequency). This sequence change affects an acceptor splice site in intron 12 of the RECQL4 gene. It is expected to disrupt RNA splicing. Variants that disrupt the donor or acceptor splice site typically lead to a loss of protein function (PMID: 16199547), and loss-of-function variants in RECQL4 are known to be pathogenic (PMID: 12734318, 12952869). ClinVar contains an entry for this variant (Variation ID: 56404). For these reasons, this variant has been classified as Pathogenic. Algorithms developed to predict the effect of sequence changes on RNA splicing suggest that this variant may disrupt the consensus splice site.

GeneReviews
No classification provided. Condition: Baller-Gerold syndrome. Review status: no classification provided. Collection method: literature only. Allele origin: germline. Not counted in ClinVar's aggregate classification.

Juha Muilu Group; Institute for Molecular Medicine Finland (FIMM)
Classification: Likely pathogenic for Rapadilino syndrome. Review status: no assertion criteria provided. Collection method: not provided. Allele origin: unknown. Not counted in ClinVar's aggregate classification.
Comment: FinDis database variant: This variant was not found or characterized by our laboratory, data were collected from public sources: see reference
ClinVar note: Converted during submission from probable-pathogenic to Likely pathogenic.

Literature cited by the submitters: PubMed 18716613 (cited by Dasa and Labcorp Genetics (formerly Invitae), Labcorp); PubMed 24635570 (cited by Dasa and Labcorp Genetics (formerly Invitae), Labcorp); PubMed 10319867 (cited by Labcorp Genetics (formerly Invitae), Labcorp); PubMed 12838562 (cited by Labcorp Genetics (formerly Invitae), Labcorp); PubMed 25966250 (cited by Labcorp Genetics (formerly Invitae), Labcorp); PubMed 16199547 (cited by Labcorp Genetics (formerly Invitae), Labcorp); PubMed 12734318 (cited by Labcorp Genetics (formerly Invitae), Labcorp); PubMed 12952869 (cited by Labcorp Genetics (formerly Invitae), Labcorp); NCBI Bookshelf NBK1204 (cited by GeneReviews).